The following is an entry in ClinVar:

ClinVar aggregate classification (germline): Conflicting classifications of pathogenicity. Review status: criteria provided, conflicting classifications (1 of 4 stars). 2 submissions from 2 submitters: Likely pathogenic (1); Uncertain significance (1). Last evaluated 2023-10-05.

Conditions:
Epidermolysis bullosa simplex 2A, generalized severe. Also called: Epidermolysis bullosa simplex 2, severe; Epidermolysis bullosa simplex 2, generalized severe; Epidermolysis bullosa simplex 2, Dowling-Meara type. Identifiers: MedGen CN301077, MONDO:0030489, OMIM 619555.
Epidermolysis bullosa simplex 2B, generalized intermediate (EBS2B). Also called: Epidermolysis bullosa simplex 2B, Koebner type. Identifiers: MedGen C5562009, MONDO:0030525, OMIM 619588.
Epidermolysis bullosa simplex 2C, localized (EBS2C). Also called: Epidermolysis bullosa simplex 2C, Weber-Cockayne type. Identifiers: MedGen C5562011, MONDO:0030527, OMIM 619594.

Submissions (2):

Labcorp Genetics (formerly Invitae), Labcorp
Classification: Uncertain significance. Last evaluated: 2023-10-05. Review status: criteria provided, single submitter. Criteria: Invitae Variant Classification Sherloc (09022015). Collection method: clinical testing. Allele origin: germline.
Comment: This sequence change replaces glutamic acid, which is acidic and polar, with aspartic acid, which is acidic and polar, at codon 466 of the KRT5 protein (p.Glu466Asp). This variant is not present in population databases (gnomAD no frequency). This missense change has been observed in individual(s) with epidermolysis bullosa simplex (PMID: 17855059; Invitae). Advanced modeling of protein sequence and biophysical properties (such as structural, functional, and spatial information, amino acid conservation, physicochemical variation, residue mobility, and thermodynamic stability) has been performed at Invitae for this missense variant, however the output from this modeling did not meet the statistical confidence thresholds required to predict the impact of this variant on KRT5 protein function. This variant disrupts the p.Glu466 amino acid residue in KRT5. Other variant(s) that disrupt this residue have been determined to be pathogenic (PMID: 29932457, 31001817). This suggests that this residue is clinically significant, and that variants that disrupt this residue are likely to be disease-causing. In summary, the available evidence is currently insufficient to determine the role of this variant in disease. Therefore, it has been classified as a Variant of Uncertain Significance.

Molecular Genetics Department, Kulakov National Medical Research Center for Obstetrics, Gynecology and Perinatology
Classification: Likely pathogenic for Epidermolysis bullosa simplex 2A, generalized severe; Epidermolysis bullosa simplex 2B, generalized intermediate; Epidermolysis bullosa simplex 2C, localized. Review status: criteria provided, single submitter. Criteria: ACMG Guidelines, 2015. Collection method: clinical testing. Allele origin: germline. Affected: yes.
Comment: A previously undescribed nucleotide variant creates a missense p.Glu466Asp in the KRT5 gene. Heterozygous variants are reported in patients with epidermolysis bullosa (OMIM: 619555, Epidermolysis bullosa simplex 2A, generalized severe; 619588, Epidermolysis bullosa simplex 2B, generalized intermediate; 619594, Epidermolysis bullosa simplex 2C, localized). Another heterozygous nucleotide variant causing same missense (c.1398G>C, p.Glu466Asp) was previously reported in patient with epidermolysis bullosa [Oh et al., 2007, PMID: 17855059]. The variant is not present in population database (gnomAD no frequency). In summary, the currently available evidence indicates that the variant is pathogenic, but additional data are needed to prove that conclusively. Therefore, this variant has been classified as likely pathogenic.

Literature cited by the submitters: PubMed 17855059 (cited by Labcorp Genetics (formerly Invitae), Labcorp); PubMed 29932457 (cited by Labcorp Genetics (formerly Invitae), Labcorp); PubMed 31001817 (cited by Labcorp Genetics (formerly Invitae), Labcorp).

NM_000424.4(KRT5):c.1398G>T (p.Glu466Asp)

Genes: KRT5 (keratin 5; minus strand), LOC126861525 (BRD4-independent group 4 enhancer GRCh37_chr12:52909857-52911056; plus strand). Cytogenetic location: 12q13.13.
Variant type: single nucleotide variant.
Coding change: c.1398G>T on transcript NM_000424.4 (MANE Select); coding-DNA position 1398, G replaced by T.
Protein change: p.Glu466Asp; replaces glutamic acid 466 with aspartic acid.
Molecular consequence: missense variant.
Genome position (GRCh38, 1-based): chr12:52,516,678, C>A on the plus strand (G>T on the coding strand, the complement: KRT5 is on the minus strand). VCF-style: chr12-52516678-C-A. GRCh37 (hg19) VCF-style: chr12-52910462-C-A.
Other names: short protein forms E466D.
Identifiers: ClinVar variation 2765862 (VCV002765862.4), dbSNP rs62642056, ClinGen allele CA384923569.
Genomic context (GRCh38, chr12:52,516,678, plus strand): 5'-GTTCATGCTGTCTACTCACCTGCATTCCTCGCCCTCCAGCAGCTTGCGGTAAGTGGCGAT[C>A]TCCACGTCCAGGGCCAGCTTGGTGTTCATGAGCTCCTGGTACTCACGCAGCAGCCGGGCC-3'
Protein context (NP_000415.2, residues 456-476): LMNTKLALDV[Glu466Asp]IATYRKLLEG